The following is an entry in ClinVar:

NM_014714.4(IFT140):c.822C>T (p.Ser274=)

Genes: IFT140 (intraflagellar transport 140; minus strand), LOC105371046 (uncharacterized LOC105371046; plus strand). Cytogenetic location: 16p13.3.
Variant type: single nucleotide variant.
Coding change: c.822C>T on transcript NM_014714.4 (MANE Select); coding-DNA position 822, C replaced by T.
Protein change: p.Ser274=; no amino-acid change (serine 274 retained).
Molecular consequence: synonymous variant.
Genome position (GRCh38, 1-based): chr16:1,588,013, G>A on the plus strand (C>T on the coding strand, the complement: IFT140 is on the minus strand). VCF-style: chr16-1588013-G-A. GRCh37 (hg19) VCF-style: chr16-1638014-G-A.
Other names: c.822C>T (NM_014714.3).
Identifiers: ClinVar variation 1132833 (VCV001132833.12), dbSNP rs200604057, ClinGen allele CA7814545.

ClinVar aggregate classification (germline): Likely benign. Review status: criteria provided, multiple submitters, no conflicts (2 of 4 stars). 4 submissions from 4 submitters: Likely benign (4). Last evaluated 2025-12-23.

Conditions:
Saldino-Mainzer syndrome (SRTD9). Also called: CONORENAL SYNDROME; SHORT-RIB THORACIC DYSPLASIA 9 WITHOUT POLYDACTYLY; short-rib thoracic dysplasia 9 with or without polydactyly; Renal dysplasia, retinal pigmentary dystrophy, cerebellar ataxia and skeletal dysplasia. Identifiers: Orphanet 140969, MedGen C1849437, MONDO:0009964, OMIM 266920.
IFT140-related disorder. Also called: IFT140-related condition.
Retinal dystrophy. Also called: Inherited retinal dystrophy. Identifiers: Orphanet 71862, MedGen C0854723, MeSH D058499, MONDO:0019118, HP:0000556.

Allele frequency attached by ClinVar (database versions not stated): gnomAD 0.00002 and 0.00003; TOPMed 0.00002; gnomAD exomes 0.00005 and 0.00007; ExAC 0.00006; 1000 Genomes Project 30x 0.00016; 1000 Genomes Project 0.00020.
gnomAD v4.1: 82 of 1,613,564 alleles (0.0051%); highest among the groups gnomAD compares: South Asian, 0.06%; no homozygotes.

Submissions (4):

Labcorp Genetics (formerly Invitae), Labcorp
Classification: Likely benign for Saldino-Mainzer syndrome. Last evaluated: 2025-12-23. Review status: criteria provided, single submitter. Criteria: Invitae Variant Classification Sherloc (09022015). Collection method: clinical testing. Allele origin: germline.

PreventionGenetics, part of Exact Sciences
Classification: Likely benign for IFT140-related condition. Last evaluated: 2025-02-19. Review status: criteria provided, single submitter. Criteria: ACMG Guidelines, 2015. Collection method: clinical testing. Allele origin: germline.
Comment: This variant is classified as likely benign based on ACMG/AMP sequence variant interpretation guidelines (Richards et al. 2015 PMID: 25741868, with internal and published modifications).

Blueprint Genetics
Classification: Likely benign. Last evaluated: 2024-06-13. Review status: criteria provided, single submitter. Criteria: ACMG Guidelines, 2015. Collection method: clinical testing. Allele origin: germline.

Dept Of Ophthalmology, Nagoya University
Classification: Likely benign for Retinal dystrophy. Last evaluated: 2023-10-01. Review status: criteria provided, single submitter. Criteria: Submitter's publication. Collection method: research. Allele origin: germline. Affected: yes.